The following is an entry in ClinVar:

NM_012463.4(ATP6V0A2):c.2335C>G (p.Leu779Val)

Gene: ATP6V0A2 (ATPase H+ transporting V0 subunit a2; plus strand). Cytogenetic location: 12q24.31.
Variant type: single nucleotide variant.
Coding change: c.2335C>G on transcript NM_012463.4 (MANE Select); coding-DNA position 2335, C replaced by G.
Protein change: p.Leu779Val; replaces leucine 779 with valine.
Molecular consequence: missense variant.
Genome position (GRCh38, 1-based): chr12:123,756,856, C>G. VCF-style: chr12-123756856-C-G. GRCh37 (hg19) VCF-style: chr12-124241403-C-G.
Other names: short protein forms L779V.
Identifiers: ClinVar variation 1358887 (VCV001358887.6), dbSNP rs1289485537, ClinGen allele CA387157991.

ClinVar aggregate classification (germline): Uncertain significance (1 of 4 stars; one submission).

Conditions:
ALG9 congenital disorder of glycosylation (CDG1L). Also called: CONGENITAL DISORDER OF GLYCOSYLATION, TYPE Il; ALG9-CDG; CDG Il. Identifiers: Orphanet 79328, MedGen C2931006, MONDO:0012117, OMIM 608776.

Allele frequency attached by ClinVar (database versions not stated): gnomAD exomes below 0.00001; gnomAD 0.00001.
gnomAD v4.1: 4 of 1,614,068 alleles (0.00025%); highest among the groups gnomAD compares: Non-Finnish European, 0.00017%; no homozygotes.

Submission:

Labcorp Genetics (formerly Invitae), Labcorp
Classification: Uncertain significance for ALG9 congenital disorder of glycosylation. Last evaluated: 2023-08-04. Review status: criteria provided, single submitter. Criteria: Invitae Variant Classification Sherloc (09022015). Collection method: clinical testing. Allele origin: germline.
Comment: This sequence change replaces leucine, which is neutral and non-polar, with valine, which is neutral and non-polar, at codon 779 of the ATP6V0A2 protein (p.Leu779Val). This variant is present in population databases (no rsID available, gnomAD 0.007%). This variant has not been reported in the literature in individuals affected with ATP6V0A2-related conditions. ClinVar contains an entry for this variant (Variation ID: 1358887). Advanced modeling of protein sequence and biophysical properties (such as structural, functional, and spatial information, amino acid conservation, physicochemical variation, residue mobility, and thermodynamic stability) performed at Invitae indicates that this missense variant is not expected to disrupt ATP6V0A2 protein function. In summary, the available evidence is currently insufficient to determine the role of this variant in disease. Therefore, it has been classified as a Variant of Uncertain Significance.